The following is an entry in ClinVar:

NM_001386298.1(CIC):c.3365G>A (p.Arg1122Gln)

Gene: CIC (capicua transcriptional repressor; plus strand). Cytogenetic location: 19q13.2.
Variant type: single nucleotide variant.
Coding change: c.3365G>A on transcript NM_001386298.1 (MANE Select); coding-DNA position 3365, G replaced by A.
Protein change: p.Arg1122Gln; replaces arginine 1122 with glutamine.
Molecular consequence: missense variant.
Genome position (GRCh38, 1-based): chr19:42,287,600, G>A. VCF-style: chr19-42287600-G-A. GRCh37 (hg19) VCF-style: chr19-42791752-G-A.
Other names: c.3365G>A, p.Arg1122Gln (NM_001304815.2, NM_001379480.1, NM_001379482.1); c.638G>A, p.Arg213Gln (NM_001379484.1, NM_001379485.1, NM_015125.5); short protein forms R1122Q, R213Q.
Identifiers: ClinVar variation 3383555 (VCV003383555.1).

ClinVar aggregate classification (germline): Uncertain significance (1 of 4 stars; one submission).

Submission:

GeneDx
Classification: Uncertain significance. Last evaluated: 2024-05-26. Review status: criteria provided, single submitter. Criteria: GeneDx Variant Classification Process June 2021. Collection method: clinical testing. Allele origin: germline. Affected: yes.
Comment: Not observed at significant frequency in large population cohorts (gnomAD); In silico analysis supports that this missense variant has a deleterious effect on protein structure/function; Has not been previously published as pathogenic or benign to our knowledge